The following is an entry in ClinVar:

NM_174936.4(PCSK9):c.476A>G (p.Glu159Gly)

Gene: PCSK9 (proprotein convertase subtilisin/kexin type 9; plus strand). Cytogenetic location: 1p32.3.
Variant type: single nucleotide variant.
Coding change: c.476A>G on transcript NM_174936.4 (MANE Select); coding-DNA position 476, A replaced by G.
Protein change: p.Glu159Gly; replaces glutamic acid 159 with glycine.
Molecular consequence: missense variant. On other transcripts: non-coding transcript variant (6).
Genome position (GRCh38, 1-based): chr1:55,046,599, A>G. VCF-style: chr1-55046599-A-G. GRCh37 (hg19) VCF-style: chr1-55512272-A-G.
Other names: c.599A>G, p.Glu200Gly (NM_001407240.1); c.476A>G, p.Glu159Gly (NM_001407241.1, NM_001407242.1, NM_001407244.1 and 1 more transcripts); c.419A>G, p.Glu140Gly (NM_001407243.1); c.284A>G, p.Glu95Gly (NM_001407245.1); c.101A>G, p.Glu34Gly (NM_001407246.1); short protein forms E140G, E95G, E159G, E200G, E34G.
Identifiers: ClinVar variation 3415988 (VCV003415988.2).
Genomic context (GRCh38, chr1:55,046,599, plus strand): 5'-ATGTCGACTACATCGAGGAGGACTCCTCTGTCTTTGCCCAGAGCATCCCGTGGAACCTGG[A>G]GCGGATTACCCCTCCACGGTACCGGGCGGATGAATACCAGCCCCCCGGTAAGACCCCCAT-3'
Protein context (NP_777596.2, residues 149-169): VFAQSIPWNL[Glu159Gly]RITPPRYRAD

ClinVar aggregate classification (germline): Uncertain significance. Review status: criteria provided, multiple submitters, no conflicts (2 of 4 stars). 2 submissions from 2 submitters: Uncertain significance (2). Last evaluated 2024-09-11.

Conditions:
Familial hypercholesterolemia. Also called: Familial hypercholesterolaemia. Identifiers: MedGen C0020445, MONDO:0005439.
Cardiovascular phenotype. Identifiers: MedGen CN230736.

gnomAD v4.1: 4 of 1,613,992 alleles (0.00025%); highest among the groups gnomAD compares: Admixed American, 0.0017%; no homozygotes.

Submissions (2):

Ambry Genetics
Classification: Uncertain significance for Cardiovascular phenotype. Last evaluated: 2024-09-11. Review status: criteria provided, single submitter. Criteria: Ambry Variant Classification Scheme 2023. Collection method: clinical testing. Allele origin: germline.
Comment: The p.E159G variant (also known as c.476A>G), located in coding exon 3 of the PCSK9 gene, results from an A to G substitution at nucleotide position 476. The glutamic acid at codon 159 is replaced by glycine, an amino acid with similar properties. This amino acid position is conserved. In addition, this alteration is predicted to be tolerated by in silico analysis. Based on the available evidence, the clinical significance of this variant remains unclear.

Color Diagnostics, LLC DBA Color Health
Classification: Uncertain significance for Familial hypercholesterolemia. Last evaluated: 2023-11-15. Review status: criteria provided, single submitter. Criteria: ACMG Guidelines, 2015. Collection method: clinical testing. Allele origin: germline.
Comment: This missense variant replaces glutamic acid with glycine at codon 159 of the PCSK9 protein. Computational prediction suggests that this variant may not impact protein structure and function. To our knowledge, functional studies have not been reported for this variant. This variant has not been reported in individuals affected with PCSK9-related disorders in the literature. This variant has been identified in 1/251430 chromosomes in the general population by the Genome Aggregation Database (gnomAD). The available evidence is insufficient to determine the role of this variant in disease conclusively. Therefore, this variant is classified as a Variant of Uncertain Significance.